The following is an entry in ClinVar:

ClinVar aggregate classification (germline): Uncertain significance (1 of 4 stars; one submission).

Allele frequency attached by ClinVar (database versions not stated): gnomAD exomes below 0.00001; TOPMed below 0.00001; gnomAD 0.00001.
gnomAD v4.1: 9 of 1,614,026 alleles (0.00056%); highest among the groups gnomAD compares: Admixed American, 0.0017%; no homozygotes.

Submission:

Labcorp Genetics (formerly Invitae), Labcorp
Classification: Uncertain significance. Last evaluated: 2025-04-29. Review status: criteria provided, single submitter. Criteria: Invitae Variant Classification Sherloc (09022015). Collection method: clinical testing. Allele origin: germline.
Comment: This sequence change replaces threonine, which is neutral and polar, with isoleucine, which is neutral and non-polar, at codon 65 of the GATAD2B protein (p.Thr65Ile). This variant is present in population databases (no rsID available, gnomAD 0.0009%). This variant has not been reported in the literature in individuals affected with GATAD2B-related conditions. ClinVar contains an entry for this variant (Variation ID: 3017245). An algorithm developed to predict the effect of missense changes on protein structure and function (PolyPhen-2) suggests that this variant is likely to be tolerated. In summary, the available evidence is currently insufficient to determine the role of this variant in disease. Therefore, it has been classified as a Variant of Uncertain Significance.

NM_020699.4(GATAD2B):c.194C>T (p.Thr65Ile)

Gene: GATAD2B (GATA zinc finger domain containing 2B; minus strand). Cytogenetic location: 1q21.3.
Variant type: single nucleotide variant.
Coding change: c.194C>T on transcript NM_020699.4 (MANE Select); coding-DNA position 194, C replaced by T.
Protein change: p.Thr65Ile; replaces threonine 65 with isoleucine.
Molecular consequence: missense variant.
Genome position (GRCh38, 1-based): chr1:153,828,154, G>A on the plus strand (C>T on the coding strand, the complement: GATAD2B is on the minus strand). VCF-style: chr1-153828154-G-A. GRCh37 (hg19) VCF-style: chr1-153800630-G-A.
Other names: short protein forms T65I.
Identifiers: ClinVar variation 3017245 (VCV003017245.3), dbSNP rs1180288981, ClinGen allele CA342540753.